The following is an entry in ClinVar:

NM_001171.6(ABCC6):c.1269C>T (p.Ser423=)

Gene: ABCC6 (ATP binding cassette subfamily C member 6; minus strand). Cytogenetic location: 16p13.11.
Variant type: single nucleotide variant.
Coding change: c.1269C>T on transcript NM_001171.6 (MANE Select); coding-DNA position 1269, C replaced by T.
Protein change: p.Ser423=; no amino-acid change (serine 423 retained).
Molecular consequence: synonymous variant. On other transcripts: non-coding transcript variant (1).
Genome position (GRCh38, 1-based): chr16:16,198,090, G>A on the plus strand (C>T on the coding strand, the complement: ABCC6 is on the minus strand). VCF-style: chr16-16198090-G-A. GRCh37 (hg19) VCF-style: chr16-16291947-G-A.
Other names: c.927C>T, p.Ser309= (NM_001351800.1); c.1269C>T (NM_001171.5).
Identifiers: ClinVar variation 2168458 (VCV002168458.6), dbSNP rs528603039, ClinGen allele CA7926384.

ClinVar aggregate classification (germline): Likely benign. Review status: criteria provided, multiple submitters, no conflicts (2 of 4 stars). 3 submissions from 3 submitters: Likely benign (3). Last evaluated 2026-01-01.

Conditions:
ABCC6-related disorder. Also called: ABCC6-related condition.

Allele frequency attached by ClinVar (database versions not stated): TOPMed 0.00002; gnomAD 0.00003; gnomAD exomes 0.00003; ExAC 0.00006; 1000 Genomes Project 30x 0.00016; 1000 Genomes Project 0.00020.
gnomAD v4.1: 43 of 1,613,962 alleles (0.0027%); highest among the groups gnomAD compares: South Asian, 0.015%; no homozygotes.

Submissions (3):

Labcorp Genetics (formerly Invitae), Labcorp
Classification: Likely benign. Last evaluated: 2026-01-01. Review status: criteria provided, single submitter. Criteria: Invitae Variant Classification Sherloc (09022015). Collection method: clinical testing. Allele origin: germline.

PreventionGenetics, part of Exact Sciences
Classification: Likely benign for ABCC6-related condition. Last evaluated: 2025-07-26. Review status: criteria provided, single submitter. Criteria: ACMG Guidelines, 2015. Collection method: clinical testing. Allele origin: germline.
Comment: This variant is classified as likely benign based on ACMG/AMP sequence variant interpretation guidelines (Richards et al. 2015 PMID: 25741868, with internal and published modifications).

Blueprint Genetics
Classification: Likely benign. Last evaluated: 2024-01-15. Review status: criteria provided, single submitter. Criteria: ACMG Guidelines, 2015. Collection method: clinical testing. Allele origin: germline.